The following is an entry in ClinVar:

NM_001378454.1(ALMS1):c.6168T>G (p.Ile2056Met)

Gene: ALMS1 (ALMS1 centrosome and basal body associated protein; plus strand). Cytogenetic location: 2p13.1.
Variant type: single nucleotide variant.
Coding change: c.6168T>G on transcript NM_001378454.1 (MANE Select); coding-DNA position 6168, T replaced by G.
Protein change: p.Ile2056Met; replaces isoleucine 2056 with methionine.
Molecular consequence: missense variant.
Genome position (GRCh38, 1-based): chr2:73,452,695, T>G. VCF-style: chr2-73452695-T-G. GRCh37 (hg19) VCF-style: chr2-73679822-T-G.
Other names: c.6171T>G, p.Ile2057Met (NM_015120.4); short protein forms I2056M, I2057M.
Identifiers: ClinVar variation 1429427 (VCV001429427.6), dbSNP rs775610057, ClinGen allele CA1714020.
Genomic context (GRCh38, chr2:73,452,695, plus strand): 5'-GAAGACTCCATCCCAGACAGCTTTTCATAGTTCCTATTCTCAAACAGTAAAGCCCAATAT[T>G]TTATTTCAACAGCAGTTGCCAGATAGAGATCAAAGTAAAGGTATTCTAAAGATTTCAGCT-3'
Protein context (NP_001365383.1, residues 2046-2066): SSYSQTVKPN[Ile2056Met]LFQQQLPDRD

ClinVar aggregate classification (germline): Uncertain significance (1 of 4 stars; one submission).

Conditions:
Alstrom syndrome (ALMS). Identifiers: Orphanet 64, MedGen C0268425, MONDO:0008763, OMIM 203800.

Allele frequency attached by ClinVar (database versions not stated): gnomAD exomes below 0.00001; ExAC 0.00001.
gnomAD v4.1: 1 of 1,613,840 alleles (0.000062%); highest among the groups gnomAD compares: Admixed American, 0.0017%; no homozygotes.

Submission:

Labcorp Genetics (formerly Invitae), Labcorp
Classification: Uncertain significance for Alstrom syndrome. Last evaluated: 2021-09-19. Review status: criteria provided, single submitter. Criteria: Invitae Variant Classification Sherloc (09022015). Collection method: clinical testing. Allele origin: germline.
Comment: This variant is present in population databases (rs775610057, ExAC 0.009%). This variant has not been reported in the literature in individuals affected with ALMS1-related conditions. Experimental studies and prediction algorithms are not available or were not evaluated, and the functional significance of this variant is currently unknown. In summary, the available evidence is currently insufficient to determine the role of this variant in disease. Therefore, it has been classified as a Variant of Uncertain Significance. This sequence change replaces isoleucine with methionine at codon 2057 of the ALMS1 protein (p.Ile2057Met). The isoleucine residue is moderately conserved and there is a small physicochemical difference between isoleucine and methionine.